The following is an entry in ClinVar:

ClinVar aggregate classification (germline): Uncertain significance. Review status: criteria provided, multiple submitters, no conflicts (2 of 4 stars). 3 submissions from 3 submitters: Uncertain significance (3). Last evaluated 2025-07-29.

Conditions:
Hereditary cancer-predisposing syndrome. Also called: Tumor predisposition; Hereditary Cancer Syndrome; Neoplastic Syndromes, Hereditary; Hereditary neoplastic syndrome. Identifiers: Orphanet 140162, MedGen C0027672, MeSH D009386, MONDO:0015356.
Familial adenomatous polyposis 2. Also called: MYH-associated polyposis; FAP type 2; ADENOMAS, MULTIPLE COLORECTAL, AUTOSOMAL RECESSIVE; MUTYH Polyposis; MUTYH-associated polyposis; MUTYH-related attenuated familial adenomatous polyposis. Identifiers: Orphanet 220460, Orphanet 247798, MedGen C3272841, MONDO:0012041, OMIM 608456.

Submissions (3):

Color Diagnostics, LLC DBA Color Health
Classification: Uncertain significance for Hereditary cancer-predisposing syndrome. Last evaluated: 2025-07-29. Review status: criteria provided, single submitter. Criteria: ACMG Guidelines, 2015. Collection method: clinical testing. Allele origin: germline.
Comment: This missense variant replaces valine with alanine at codon 246 of the MUTYH protein. Computational prediction suggests that this variant may not impact protein structure and function. To our knowledge, functional studies have not been reported for this variant. This variant has not been reported in individuals affected with MUTYH-related disorders in the literature. This variant has not been identified in the general population by the Genome Aggregation Database (gnomAD). The available evidence is insufficient to determine the role of this variant in disease conclusively. Therefore, this variant is classified as a Variant of Uncertain Significance.

Ambry Genetics
Classification: Uncertain significance for Hereditary cancer-predisposing syndrome. Last evaluated: 2024-10-25. Review status: criteria provided, single submitter. Criteria: Ambry Variant Classification Scheme 2023. Collection method: clinical testing. Allele origin: germline.
Comment: The p.V246A variant (also known as c.737T>C), located in coding exon 9 of the MUTYH gene, results from a T to C substitution at nucleotide position 737. The valine at codon 246 is replaced by alanine, an amino acid with similar properties. This amino acid position is not well conserved in available vertebrate species. In addition, the in silico prediction for this alteration is inconclusive. Based on the available evidence, the clinical significance of this variant remains unclear.

Labcorp Genetics (formerly Invitae), Labcorp
Classification: Uncertain significance for Familial adenomatous polyposis 2. Last evaluated: 2021-05-26. Review status: criteria provided, single submitter. Criteria: Invitae Variant Classification Sherloc (09022015). Collection method: clinical testing. Allele origin: germline.
Comment: This variant has not been reported in the literature in individuals with MUTYH-related conditions. ClinVar contains an entry for this variant (Variation ID: 219485). This variant is not present in population databases (ExAC no frequency). This sequence change replaces valine with alanine at codon 246 of the MUTYH protein (p.Val246Ala). The valine residue is moderately conserved and there is a small physicochemical difference between valine and alanine. In summary, the available evidence is currently insufficient to determine the role of this variant in disease. Therefore, it has been classified as a Variant of Uncertain Significance. This variant disrupts the p.Val246 amino acid residue in MUTYH. Other variant(s) that disrupt this residue have been determined to be pathogenic (PMID: 12606733, 19793053, 20687945). This suggests that this residue is clinically significant, and that variants that disrupt this residue are likely to be disease-causing. Algorithms developed to predict the effect of missense changes on protein structure and function (SIFT, PolyPhen-2, Align-GVGD) all suggest that this variant is likely to be tolerated, but these predictions have not been confirmed by published functional studies and their clinical significance is uncertain.

Literature cited by the submitters: PubMed 12606733 (cited by Labcorp Genetics (formerly Invitae), Labcorp); PubMed 19793053 (cited by Labcorp Genetics (formerly Invitae), Labcorp); PubMed 20687945 (cited by Labcorp Genetics (formerly Invitae), Labcorp).

NM_001048174.2(MUTYH):c.653T>C (p.Val218Ala)

Gene: MUTYH (mutY DNA glycosylase; minus strand). Cytogenetic location: 1p34.1.
Variant type: single nucleotide variant.
Coding change: c.653T>C on transcript NM_001048174.2 (MANE Select); coding-DNA position 653, T replaced by C.
Protein change: p.Val218Ala; replaces valine 218 with alanine.
Molecular consequence: missense variant. On other transcripts: non-coding transcript variant (2).
Genome position (GRCh38, 1-based): chr1:45,332,442, A>G on the plus strand (T>C on the coding strand, the complement: MUTYH is on the minus strand). VCF-style: chr1-45332442-A-G. GRCh37 (hg19) VCF-style: chr1-45798114-A-G.
Other names: c.653T>C, p.Val218Ala (NM_001048171.2, NM_001048173.2, NM_001293195.2); c.656T>C, p.Val219Ala (NM_001048172.2); c.737T>C, p.Val246Ala (NM_001128425.2); c.698T>C, p.Val233Ala (NM_001293190.2); c.686T>C, p.Val229Ala (NM_001293191.2); c.377T>C, p.Val126Ala (NM_001293192.2, NM_001293196.2); c.308T>C, p.Val103Ala (NM_001350650.2, NM_001350651.2); c.728T>C, p.Val243Ala (NM_012222.3); short protein forms V246A, V218A, V229A, V243A, V103A, V219A, V126A, V233A.
Identifiers: ClinVar variation 219485 (VCV000219485.10), dbSNP rs864622114, ClinGen allele CA348240.